The following is an entry in ClinVar:

ClinVar aggregate classification (germline): Pathogenic (1 of 4 stars; one submission).

Conditions:
Fanconi anemia (FA). Also called: Fanconi's anemia. Identifiers: Orphanet 84, MedGen C0015625, MeSH D005199, MONDO:0019391.

Submission:

Labcorp Genetics (formerly Invitae), Labcorp
Classification: Pathogenic for Fanconi anemia. Last evaluated: 2023-08-08. Review status: criteria provided, single submitter. Criteria: Invitae Variant Classification Sherloc (09022015). Collection method: clinical testing. Allele origin: germline.
Comment: For these reasons, this variant has been classified as Pathogenic. This variant has not been reported in the literature in individuals affected with FANCB-related conditions. This variant is not present in population databases (gnomAD no frequency). This sequence change creates a premature translational stop signal (p.Phe152Serfs*27) in the FANCB gene. It is expected to result in an absent or disrupted protein product. Loss-of-function variants in FANCB are known to be pathogenic (PMID: 15502827, 23613520).

Literature cited by the submitters: PubMed 15502827; PubMed 23613520.

NM_001018113.3(FANCB):c.455_458del (p.Phe152fs)

Gene: FANCB (FA complementation group B; minus strand). Cytogenetic location: Xp22.2.
Variant type: Deletion.
Coding change: c.455_458del on transcript NM_001018113.3 (MANE Select); coding-DNA positions 455 to 458, 4 bases deleted (TTAT; older notation c.455_458delTTAT).
Protein change: p.Phe152fs; shifts the reading frame from phenylalanine 152.
Molecular consequence: frameshift variant.
Genome position (GRCh38, 1-based): chrX:14,865,053-14,865,056, ATAA deleted on the plus strand (TTAT on the coding strand, the reverse complement: FANCB is on the minus strand); deleting any 4 consecutive bases within chrX:14,865,053-14,865,057 gives the same sequence; the c. name uses the placement nearest the transcript's 3' end. VCF-style (leftmost placement, unchanged base first): chrX-14865052-GATAA-G. GRCh37 (hg19) VCF-style: chrX-14883174-GATAA-G.
Other names: c.455_458del, p.Phe152fs (NM_001324162.2, NM_001410764.1, NM_152633.4); short protein forms F152fs.
Identifiers: ClinVar variation 2742713 (VCV002742713.3), dbSNP rs2519011748, ClinGen allele CA2697552860.